The following is an entry in ClinVar:

NM_001009944.3(PKD1):c.10703_10728del (p.Val3568fs)

Genes: PKD1 (polycystin 1, transient receptor potential channel interacting; minus strand), PKD1-AS1 (PKD1 antisense RNA 1; plus strand). Cytogenetic location: 16p13.3.
Variant type: Deletion.
Coding change: c.10703_10728del on transcript NM_001009944.3 (MANE Select); coding-DNA positions 10703 to 10728, 26 bases deleted (TGGCTGTGGCTGTCTCAGGGTGGGTG).
Protein change: p.Val3568fs; shifts the reading frame from valine 3568.
Molecular consequence: frameshift variant.
Genome position (GRCh38, 1-based): chr16:2,093,904-2,093,929, CACCCACCCTGAGACAGCCACAGCCA deleted on the plus strand (TGGCTGTGGCTGTCTCAGGGTGGGTG on the coding strand, the reverse complement: PKD1 is on the minus strand); deleting any 26 consecutive bases within chr16:2,093,904-2,093,931 gives the same sequence; the c. name uses the placement nearest the transcript's 3' end. VCF-style (leftmost placement, unchanged base first): chr16-2093903-CCACCCACCCTGAGACAGCCACAGCCA-C. GRCh37 (hg19) VCF-style: chr16-2143904-CCACCCACCCTGAGACAGCCACAGCCA-C.
Other names: c.10700_10725del, p.Val3567fs (NM_000296.4); short protein forms V3567fs, V3568fs.
Identifiers: ClinVar variation 3905925 (VCV003905925.10).

ClinVar aggregate classification (germline): Pathogenic (1 of 4 stars; one submission).

Submission:

CeGaT Center for Human Genetics Tuebingen
Classification: Pathogenic. Last evaluated: 2025-05-01. Review status: criteria provided, single submitter. Criteria: CeGaT Center For Human Genetics Tuebingen Variant Classification Criteria Version 2. Collection method: clinical testing. Allele origin: germline. Affected: yes. Observed: 1 variant allele.
Comment: PKD1: PVS1, PM2